The following is an entry in ClinVar:

NM_025114.4(CEP290):c.1171G>A (p.Glu391Lys)

Gene: CEP290 (centrosomal protein 290; minus strand). Cytogenetic location: 12q21.32.
Variant type: single nucleotide variant.
Coding change: c.1171G>A on transcript NM_025114.4 (MANE Select); coding-DNA position 1171, G replaced by A.
Protein change: p.Glu391Lys; replaces glutamic acid 391 with lysine.
Molecular consequence: missense variant.
Genome position (GRCh38, 1-based): chr12:88,125,264, C>T on the plus strand (G>A on the coding strand, the complement: CEP290 is on the minus strand). VCF-style: chr12-88125264-C-T. GRCh37 (hg19) VCF-style: chr12-88519041-C-T.
Other names: c.1171G>A (NM_025114.3); short protein forms E391K.
Identifiers: ClinVar variation 4917947 (VCV004917947.2).

ClinVar aggregate classification (germline): Uncertain significance. Review status: criteria provided, multiple submitters, no conflicts (2 of 4 stars). 2 submissions from 2 submitters: Uncertain significance (2). Last evaluated 2026-02-10.

Conditions:
CEP290-related disorder. Also called: CEP290-related condition; CEP290-related disorders. Identifiers: MedGen CN239314.

gnomAD v4.1: 2 of 897,998 alleles (0.00022%); highest among the groups gnomAD compares: Non-Finnish European, 0.00031%; no homozygotes.

Submissions (2):

PreventionGenetics, part of Exact Sciences
Classification: Uncertain significance for CEP290-related condition. Last evaluated: 2026-02-10. Review status: criteria provided, single submitter. Criteria: ACMG Guidelines, 2015. Collection method: clinical testing. Allele origin: germline.
Comment: The CEP290 c.1171G>A variant is predicted to result in the amino acid substitution p.Glu391Lys. To our knowledge, this variant has not been reported in the literature or in a large population database (gnomAD), indicating this variant is rare. At this time, the clinical significance of this variant is uncertain due to the absence of conclusive functional and genetic evidence.

Blueprint Genetics
Classification: Uncertain significance. Last evaluated: 2022-07-21. Review status: criteria provided, single submitter. Criteria: ACMG Guidelines, 2015. Collection method: clinical testing. Allele origin: germline.